The following is an entry in ClinVar:

NM_003924.4(PHOX2B):c.850C>T (p.Pro284Ser)

Gene: PHOX2B (paired like homeobox 2B; minus strand). Cytogenetic location: 4p13.
Variant type: single nucleotide variant.
Coding change: c.850C>T on transcript NM_003924.4 (MANE Select); coding-DNA position 850, C replaced by T.
Protein change: p.Pro284Ser; replaces proline 284 with serine.
Molecular consequence: missense variant.
Genome position (GRCh38, 1-based): chr4:41,745,902, G>A on the plus strand (C>T on the coding strand, the complement: PHOX2B is on the minus strand). VCF-style: chr4-41745902-G-A. GRCh37 (hg19) VCF-style: chr4-41747919-G-A.
Other names: short protein forms P284S.
Identifiers: ClinVar variation 3931842 (VCV003931842.1).

ClinVar aggregate classification (germline): Uncertain significance (1 of 4 stars; one submission).

Conditions:
Hereditary cancer-predisposing syndrome. Also called: Tumor predisposition; Hereditary neoplastic syndrome; Hereditary Cancer Syndrome; Neoplastic Syndromes, Hereditary. Identifiers: Orphanet 140162, MedGen C0027672, MeSH D009386, MONDO:0015356.

gnomAD v4.1: 1 of 1,606,838 alleles (0.000062%); highest among the groups gnomAD compares: African/African-American, 0.0013%; no homozygotes.

Submission:

Ambry Genetics
Classification: Uncertain significance for Hereditary cancer-predisposing syndrome. Last evaluated: 2025-04-07. Review status: criteria provided, single submitter. Criteria: Ambry Variant Classification Scheme 2023. Collection method: clinical testing. Allele origin: germline.
Comment: The p.P284S variant (also known as c.850C>T), located in coding exon 3 of the PHOX2B gene, results from a C to T substitution at nucleotide position 850. The proline at codon 284 is replaced by serine, an amino acid with similar properties. This amino acid position is conserved. In addition, the in silico prediction for this alteration is inconclusive. Based on the available evidence, the clinical significance of this variant remains unclear.